The following is an entry in ClinVar:

NM_182919.4(TICAM1):c.1809T>G (p.Tyr603Ter)

Gene: TICAM1 (TIR domain containing adaptor molecule 1; minus strand). Cytogenetic location: 19p13.3.
Variant type: single nucleotide variant.
Coding change: c.1809T>G on transcript NM_182919.4 (MANE Select); coding-DNA position 1809, T replaced by G.
Protein change: p.Tyr603Ter; replaces tyrosine 603 with a stop codon.
Molecular consequence: nonsense.
Genome position (GRCh38, 1-based): chr19:4,816,569, A>C on the plus strand (T>G on the coding strand, the complement: TICAM1 is on the minus strand). VCF-style: chr19-4816569-A-C. GRCh37 (hg19) VCF-style: chr19-4816581-A-C.
Other names: c.1767T>G, p.Tyr589Ter (NM_001385678.1); c.1674T>G, p.Tyr558Ter (NM_001385679.1); c.1167T>G, p.Tyr389Ter (NM_001385680.1); short protein forms Y558*, Y389*, Y589*, Y603*.
Identifiers: ClinVar variation 1469624 (VCV001469624.6), dbSNP rs2093585647, ClinGen allele CA403488776.

ClinVar aggregate classification (germline): Uncertain significance (1 of 4 stars; one submission).

Conditions:
Encephalopathy, acute, infection-induced (herpes-specific), susceptibility to, 6. Also called: Herpes simplex encephalitis, susceptibility to, 4. Identifiers: Orphanet 1930, MedGen C3553869, MONDO:0013921, OMIM 614850.

Submission:

Labcorp Genetics (formerly Invitae), Labcorp
Classification: Uncertain significance for Encephalopathy, acute, infection-induced (herpes-specific), susceptibility to, 6. Last evaluated: 2021-03-03. Review status: criteria provided, single submitter. Criteria: Invitae Variant Classification Sherloc (09022015). Collection method: clinical testing. Allele origin: germline.
Comment: This sequence change creates a premature translational stop signal (p.Tyr603*) in the TICAM1 gene. While this is not anticipated to result in nonsense mediated decay, it is expected to disrupt the last 110 amino acid(s) of the TICAM1 protein. This variant is not present in population databases (ExAC no frequency). This variant has not been reported in the literature in individuals with TICAM1-related conditions. Algorithms developed to predict the effect of sequence changes on RNA splicing suggest that this variant may create or strengthen a splice site, but this prediction has not been confirmed by published transcriptional studies. In summary, the available evidence is currently insufficient to determine the role of this variant in disease. Therefore, it has been classified as a Variant of Uncertain Significance.